The following is an entry in ClinVar:

NM_001354604.2(MITF):c.1192C>A (p.Gln398Lys)

Gene: MITF (melanocyte inducing transcription factor; plus strand). Cytogenetic location: 3p13.
Variant type: single nucleotide variant.
Coding change: c.1192C>A on transcript NM_001354604.2 (MANE Select); coding-DNA position 1192, C replaced by A.
Protein change: p.Gln398Lys; replaces glutamine 398 with lysine.
Molecular consequence: missense variant.
Genome position (GRCh38, 1-based): chr3:69,964,859, C>A. VCF-style: chr3-69964859-C-A. GRCh37 (hg19) VCF-style: chr3-70014010-C-A.
Other names: c.871C>A, p.Gln291Lys (NM_000248.4); c.1018C>A, p.Gln340Lys (NM_001184967.2, NM_001354608.2); c.1189C>A, p.Gln397Lys (NM_001354605.2); c.1171C>A, p.Gln391Lys (NM_001354606.2, NM_006722.3); c.1123C>A, p.Gln375Lys (NM_001354607.2); c.853C>A, p.Gln285Lys (NM_198158.3); c.1174C>A, p.Gln392Lys (NM_198159.3); c.1126C>A, p.Gln376Lys (NM_198177.3); and 1 more; short protein forms Q340K, Q392K, Q229K, Q397K, Q291K, Q391K, Q398K, Q285K.
Identifiers: ClinVar variation 4108317 (VCV004108317.2).
Genomic context (GRCh38, chr3:69,964,859, plus strand): 5'-CCTCTGTGCTCTGCCTATTTCAGTGTTTTATCTTTACTCTTATTATAGGAACTTGAAATG[C>A]AGGCTCGAGCTCATGGACTTTCCCTTATTCCATCCACGGGTCTCTGCTCTCCAGATTTGG-3'
Protein context (NP_001341533.1, residues 388-408): LLLRIQELEM[Gln398Lys]ARAHGLSLIP

ClinVar aggregate classification (germline): Uncertain significance. Review status: criteria provided, multiple submitters, no conflicts (2 of 4 stars). 2 submissions from 2 submitters: Uncertain significance (2). Last evaluated 2025-08-31.

Conditions:
Hereditary cancer-predisposing syndrome. Also called: Tumor predisposition; Neoplastic Syndromes, Hereditary; Hereditary neoplastic syndrome; Hereditary Cancer Syndrome. Identifiers: Orphanet 140162, MedGen C0027672, MeSH D009386, MONDO:0015356.
Tietz syndrome (TADS). Also called: ALBINISM-DEAFNESS OF TIETZ; HYPOPIGMENTATION/DEAFNESS OF TIETZ; TIETZ ALBINISM-DEAFNESS SYNDROME. Identifiers: Orphanet 42665, MedGen C0391816, MONDO:0007077, OMIM 103500.
Waardenburg syndrome type 2A (WS2A). Also called: WAARDENBURG SYNDROME WITHOUT DYSTOPIA CANTHORUM. Identifiers: Orphanet 3440, MedGen C1860339, MONDO:0008671, OMIM 193510.
Melanoma, cutaneous malignant, susceptibility to, 8. Also called: MELANOMA AND RENAL CELL CARCINOMA, SUSCEPTIBILITY TO; Cutaneous malignant melanoma 8. Identifiers: Orphanet 293822, MedGen C3152204, MONDO:0013759, OMIM 614456.

Submissions (2):

Ambry Genetics
Classification: Uncertain significance for Hereditary cancer-predisposing syndrome. Last evaluated: 2025-08-31. Review status: criteria provided, single submitter. Criteria: Ambry Variant Classification Scheme 2023. Collection method: clinical testing. Allele origin: germline.
Comment: The p.Q291K variant (also known as c.871C>A), located in coding exon 9 of the MITF gene, results from a C to A substitution at nucleotide position 871. The glutamine at codon 291 is replaced by lysine, an amino acid with similar properties. This amino acid position is conserved. In addition, this alteration is predicted to be deleterious by in silico analysis. Based on the available evidence, the clinical significance of this variant remains unclear.

Labcorp Genetics (formerly Invitae), Labcorp
Classification: Uncertain significance for Melanoma, cutaneous malignant, susceptibility to, 8; Waardenburg syndrome type 2A; Tietz syndrome. Last evaluated: 2025-03-26. Review status: criteria provided, single submitter. Criteria: Invitae Variant Classification Sherloc (09022015). Collection method: clinical testing. Allele origin: germline.
Comment: This sequence change replaces glutamine, which is neutral and polar, with lysine, which is basic and polar, at codon 291 of the MITF protein (p.Gln291Lys). This variant is not present in population databases (gnomAD no frequency). This variant has not been reported in the literature in individuals affected with MITF-related conditions. Invitae Evidence Modeling of protein sequence and biophysical properties (such as structural, functional, and spatial information, amino acid conservation, physicochemical variation, residue mobility, and thermodynamic stability) indicates that this missense variant is expected to disrupt MITF protein function with a positive predictive value of 80%. In summary, the available evidence is currently insufficient to determine the role of this variant in disease. Therefore, it has been classified as a Variant of Uncertain Significance.